The following is an entry in ClinVar:

NM_001040142.2(SCN2A):c.2919+4T>C

Gene: SCN2A (sodium voltage-gated channel alpha subunit 2; plus strand). Cytogenetic location: 2q24.3.
Variant type: single nucleotide variant.
Coding change: c.2919+4T>C on transcript NM_001040142.2 (MANE Select); 4 bases into the intron after coding-DNA position 2919, T replaced by C.
Molecular consequence: intron variant.
Genome position (GRCh38, 1-based): chr2:165,344,915, T>C. VCF-style: chr2-165344915-T-C. GRCh37 (hg19) VCF-style: chr2-166201425-T-C.
Other names: c.2919+4T>C (NM_001040143.2, NM_001371246.1, NM_001371247.1 and 1 more transcripts).
Identifiers: ClinVar variation 464904 (VCV000464904.14), dbSNP rs182428124, ClinGen allele CA59720175.
Genomic context (GRCh38, chr2:165,344,915, plus strand): 5'-GGCCAAACCATGTGCCTTACTGTCTTCATGATGGTCATGGTGATTGGAAATCTAGTGGTA[T>C]GTAGCAAAAACATTTTCCTCATTTTCATTAAAAGATAATGTAATCATTAAAAAGTGTGTT-3'

ClinVar aggregate classification (germline): Conflicting classifications of pathogenicity. Review status: criteria provided, conflicting classifications (1 of 4 stars). 3 submissions from 3 submitters: Uncertain significance (2); Likely benign (1). Last evaluated 2025-10-10.

Conditions:
Developmental and epileptic encephalopathy, 11 (DEE11). Also called: Early infantile epileptic encephalopathy 11. Identifiers: Orphanet 1934, MedGen C3150987, MONDO:0013388, OMIM 613721.
Seizures, benign familial infantile, 3 (BFIS3). Also called: CONVULSIONS, BENIGN FAMILIAL INFANTILE, 3; Familial neonatal seizures. Identifiers: Orphanet 140927, Orphanet 306, MedGen C1843140, MONDO:0011904, OMIM 607745.
Inborn genetic diseases. Identifiers: MedGen C0950123, MeSH D030342.

Allele frequency attached by ClinVar (database versions not stated): gnomAD 0.00001; gnomAD exomes 0.00001; TOPMed 0.00002; 1000 Genomes Project 0.00020; 1000 Genomes Project 30x 0.00031.
gnomAD v4.1: 3 of 1,614,130 alleles (0.00019%); highest among the groups gnomAD compares: Admixed American, 0.005%; no homozygotes.

Submissions (3):

Labcorp Genetics (formerly Invitae), Labcorp
Classification: Uncertain significance for Seizures, benign familial infantile, 3; Developmental and epileptic encephalopathy, 11. Last evaluated: 2025-10-10. Review status: criteria provided, single submitter. Criteria: Invitae Variant Classification Sherloc (09022015). Collection method: clinical testing. Allele origin: germline.
Comment: This sequence change falls in intron 16 of the SCN2A gene. It does not directly change the encoded amino acid sequence of the SCN2A protein. It affects a nucleotide within the consensus splice site. This variant is present in population databases (rs182428124, gnomAD 0.006%). This variant has been observed in individual(s) with clinical features of SCN2A-related conditions (internal data). ClinVar contains an entry for this variant (Variation ID: 464904). Variants that disrupt the consensus splice site are a relatively common cause of aberrant splicing (PMID: 17576681, 9536098). Algorithms developed to predict the effect of sequence changes on RNA splicing suggest that this variant is not likely to affect RNA splicing. In summary, the available evidence is currently insufficient to determine the role of this variant in disease. Therefore, it has been classified as a Variant of Uncertain Significance.

GeneDx
Classification: Likely benign. Last evaluated: 2020-12-21. Review status: criteria provided, single submitter. Criteria: GeneDx Variant Classification Process June 2021. Collection method: clinical testing. Allele origin: germline. Affected: yes.

Ambry Genetics
Classification: Uncertain significance for Inborn genetic diseases. Last evaluated: 2018-05-31. Review status: criteria provided, single submitter. Criteria: Ambry Variant Classification Scheme 2023. Collection method: clinical testing. Allele origin: germline.
Comment: The c.2919+4T>C intronic variant results from a T to C substitution 4 nucleotides after coding exon 15 in the SCN2A gene. This nucleotide position is not well conserved in available vertebrate species. Using the BDGP and ESEfinder splice site prediction tools, this alteration is not predicted to have any significant effect on this splice donor site; however, direct evidence is unavailable. Since supporting evidence is limited at this time, the clinical significance of this alteration remains unclear.

Literature cited by the submitters: PubMed 17576681 (cited by Labcorp Genetics (formerly Invitae), Labcorp); PubMed 9536098 (cited by Labcorp Genetics (formerly Invitae), Labcorp).